The following is an entry in ClinVar:

NM_000038.6(APC):c.839del (p.Gly279_Ser280insTer)

Gene: APC (APC regulator of Wnt signaling pathway; plus strand). Cytogenetic location: 5q22.2.
Variant type: Deletion.
Coding change: c.839del on transcript NM_000038.6 (MANE Select); coding-DNA position 839, one base deleted (C; older notation c.839delC).
Protein change: p.Gly279_Ser280insTer.
Molecular consequence: nonsense. On other transcripts: 5 prime UTR variant (1).
Genome position (GRCh38, 1-based): chr5:112,815,499, C deleted. VCF-style (leftmost placement, unchanged base first): chr5-112815498-TC-T. GRCh37 (hg19) VCF-style: chr5-112151195-TC-T.
Other names: c.839del, p.Gly279_Ser280insTer (NM_001127510.3, NM_001354895.2, NM_001354896.2 and 1 more transcripts); c.785del, p.Gly261_Ser262insTer (NM_001127511.3); c.869del, p.Gly289_Ser290insTer (NM_001354897.2, NM_001354902.2); c.764del, p.Gly254_Ser255insTer (NM_001354898.2, NM_001354904.2); c.755del, p.Gly251_Ser252insTer (NM_001354899.2); c.662del, p.Gly220_Ser221insTer (NM_001354900.2, NM_001354901.2, NM_001354905.2); c.-11del (NM_001354906.2).
Identifiers: ClinVar variation 1070826 (VCV001070826.8), dbSNP rs2149762370, ClinGen allele CA2499217442.

ClinVar aggregate classification (germline): Pathogenic (1 of 4 stars; one submission).

Conditions:
Familial adenomatous polyposis 1 (FAP1). Also called: POLYPOSIS, ADENOMATOUS INTESTINAL; FAMILIAL ADENOMATOUS POLYPOSIS 1, ATTENUATED. Identifiers: MedGen C2713442, MONDO:0021056, OMIM 175100. Disease mechanism: loss of function.

Submission:

Labcorp Genetics (formerly Invitae), Labcorp
Classification: Pathogenic for Familial adenomatous polyposis 1. Last evaluated: 2020-09-11. Review status: criteria provided, single submitter. Criteria: Invitae Variant Classification Sherloc (09022015). Collection method: clinical testing. Allele origin: germline.
Comment: This variant is not present in population databases (ExAC no frequency). This sequence change creates a premature translational stop signal (p.Ser280*) in the APC gene. It is expected to result in an absent or disrupted protein product. This variant has not been reported in the literature in individuals with APC-related conditions. For these reasons, this variant has been classified as Pathogenic. Loss-of-function variants in APC are known to be pathogenic (PMID: 17963004, 20685668).

Literature cited by the submitters: PubMed 17963004; PubMed 20685668.